The following is an entry in ClinVar:

NM_032737.4(LMNB2):c.1743G>C (p.Ser581=)

Gene: LMNB2 (lamin B2; minus strand). Cytogenetic location: 19p13.3.
Variant type: single nucleotide variant.
Coding change: c.1743G>C on transcript NM_032737.4 (MANE Select); coding-DNA position 1743, G replaced by C.
Protein change: p.Ser581=; no amino-acid change (serine 581 retained).
Molecular consequence: synonymous variant.
Genome position (GRCh38, 1-based): chr19:2,431,626, C>G on the plus strand (G>C on the coding strand, the complement: LMNB2 is on the minus strand). VCF-style: chr19-2431626-C-G. GRCh37 (hg19) VCF-style: chr19-2431624-C-G.
Identifiers: ClinVar variation 735804 (VCV000735804.14), dbSNP rs142082911, ClinGen allele CA9067322.
Genomic context (GRCh38, chr19:2,431,626, plus strand): 5'-CTCCTCGCCAAACTCGGCTTCCTCCTCCTCTTCCTCCCCATTCTCATTCTCACGCATCAC[C>G]GAGGACTTCTTCACAGTCCTCATGGCCACTTCCTGTGCGGGACAGGACACGGCGGCATGT-3'
Protein context (NP_116126.3, residues 571-591): EVAMRTVKKS[Ser581=]VMRENENGEE

ClinVar aggregate classification (germline): Likely benign. Review status: criteria provided, multiple submitters, no conflicts (2 of 4 stars). 3 submissions from 3 submitters: Likely benign (2). 1 of the submissions does not count toward it. Last evaluated 2026-01-14.

Conditions:
Progressive myoclonic epilepsy type 9. Identifiers: Orphanet 457265, MedGen C4225289, MONDO:0014685, OMIM 616540.
Lipodystrophy, partial, acquired, susceptibility to (APLD). Also called: APLD, SUSCEPTIBILITY TO. Identifiers: MedGen C3887501, MONDO:0100476, OMIM 608709.
LMNB2-related disorder. Also called: LMNB2-related condition.

Allele frequency attached by ClinVar (database versions not stated): ESP Exome Variant Server 0.00031; gnomAD 0.00003; TOPMed 0.00010.

Submissions (3):

Labcorp Genetics (formerly Invitae), Labcorp
Classification: Likely benign for Progressive myoclonic epilepsy type 9; Lipodystrophy, partial, acquired, susceptibility to. Last evaluated: 2026-01-14. Review status: criteria provided, single submitter. Criteria: Invitae Variant Classification Sherloc (09022015). Collection method: clinical testing. Allele origin: germline.

Genetic Services Laboratory, University of Chicago
Classification: Likely benign. Last evaluated: 2017-08-25. Review status: criteria provided, single submitter. Criteria: ACMG Guidelines, 2015. Collection method: clinical testing. Allele origin: germline. Affected: no.

PreventionGenetics, part of Exact Sciences
Classification: Likely benign for LMNB2-related condition. Last evaluated: 2024-04-11. Review status: no assertion criteria provided. Collection method: clinical testing. Allele origin: germline. Not counted in ClinVar's aggregate classification.
Comment: This variant is classified as likely benign based on ACMG/AMP sequence variant interpretation guidelines (Richards et al. 2015 PMID: 25741868, with internal and published modifications).